The following is an entry in ClinVar:

NM_001358438.1(KLF18):c.1293A>G (p.Gly431=)

Gene: KLF18 (KLF transcription factor 18; minus strand). Cytogenetic location: 1p34.1.
Variant type: single nucleotide variant.
Coding change: c.1293A>G on transcript NM_001358438.1 (MANE Select); coding-DNA position 1293, A replaced by G.
Protein change: p.Gly431=; no amino-acid change (glycine 431 retained).
Molecular consequence: synonymous variant.
Genome position (GRCh38, 1-based): chr1:44,140,339, T>C on the plus strand (A>G on the coding strand, the complement: KLF18 is on the minus strand). VCF-style: chr1-44140339-T-C. GRCh37 (hg19) VCF-style: chr1-44606011-T-C.
Identifiers: ClinVar variation 4084382 (VCV004084382.8).
Genomic context (GRCh38, chr1:44,140,339, plus strand): 5'-GGAGGTCATCACTTGCTCTCCACAGAGGTTCTGGTTACCAGTGGAGGTCGTCATCTGCCC[T>C]CCACAGAGGGCTTGGTTACCAGTGGAGGTCATCACTTGCTCTCCACAGAGGTTCTGGTTA-3'
Protein context (NP_001345367.1, residues 421-441): MTSTGNQALC[Gly431=]GQMTTSTGNQ

ClinVar aggregate classification (germline): Likely benign (1 of 4 stars; one submission).

gnomAD v4.1: 39 of 63,304 alleles (0.062%); highest among the groups gnomAD compares: African/African-American, 0.19%; 4 homozygotes.

Submission:

CeGaT Center for Human Genetics Tuebingen
Classification: Likely benign. Last evaluated: 2026-04-01. Review status: criteria provided, single submitter. Criteria: CeGaT Center For Human Genetics Tuebingen Variant Classification Criteria Version 2. Collection method: clinical testing. Allele origin: germline. Affected: yes. Observed: 6 variant alleles.
Comment: KLF18: BP4, BP7, BS2